The following is an entry in ClinVar:

GRCh38/hg38 10q11.22(chr10:46157935-47923579)x1

Genes: AGAP10 (ArfGAP with GTPase domain, ankyrin repeat and PH domain 10), AGAP9 (ArfGAP with GTPase domain, ankyrin repeat and PH domain 9; minus strand), ANTXRL (ANTXR like; plus strand), ANXA8 (annexin A8; minus strand), ANXA8L1 (annexin A8 like 1; plus strand) and 31 more. Cytogenetic location: 10q11.22.
Variant type: copy number loss.
Change: copy number 1 (one copy instead of two) of chr10:46,157,935-47,923,579 (1.77 Mb, GRCh38 coordinates, 1-based), cytogenetic band 10q11.22.
Identifiers: ClinVar variation 161043 (VCV000161043.1).

ClinVar aggregate classification (germline): Benign (1 of 4 stars; one submission).

Submission:

ISCA site 4
Classification: Benign. Last evaluated: 2011-08-12. Review status: criteria provided, single submitter. Criteria: Kaminsky et al. (Genet Med. 2011). Collection method: clinical testing. Allele origin: unknown. Affected: yes. Observed: 1 variant allele.
Comment: Copy number variation identified through the course of routine clinical cytogenomic testing in postnatal populations. Clinical assertions have been curated as described in Kaminsky et al. 2011.